The following is an entry in ClinVar:

ClinVar aggregate classification (germline): Uncertain significance (1 of 4 stars; one submission).

Conditions:
Cardiovascular phenotype. Identifiers: MedGen CN230736.

gnomAD v4.1: 4 of 1,614,116 alleles (0.00025%); highest among the groups gnomAD compares: Non-Finnish European, 0.00034%; no homozygotes.

Submission:

Ambry Genetics
Classification: Uncertain significance for Cardiovascular phenotype. Last evaluated: 2025-09-17. Review status: criteria provided, single submitter. Criteria: Ambry Variant Classification Scheme 2023. Collection method: clinical testing. Allele origin: germline.
Comment: The p.E338K variant (also known as c.1012G>A), located in coding exon 5 of the GATA4 gene, results from a G to A substitution at nucleotide position 1012. The glutamic acid at codon 338 is replaced by lysine, an amino acid with similar properties. This amino acid position is conserved. In addition, the in silico prediction for this alteration is inconclusive. Based on the available evidence, the clinical significance of this variant remains unclear.

NM_001308093.3(GATA4):c.1015G>A (p.Glu339Lys)

Gene: GATA4 (GATA binding protein 4). Cytogenetic location: 8p23.1.
Variant type: single nucleotide variant.
Coding change: c.1015G>A on transcript NM_001308093.3 (MANE Select); coding-DNA position 1015, G replaced by A.
Protein change: p.Glu339Lys; replaces glutamic acid 339 with lysine.
Molecular consequence: missense variant.
Genome position (GRCh38, 1-based): chr8:11,756,949, G>A. VCF-style: chr8-11756949-G-A. GRCh37 (hg19) VCF-style: chr8-11614458-G-A.
Other names: c.394G>A, p.Glu132Lys (NM_001308094.2, NM_001374273.1); c.268G>A, p.Glu90Lys (NM_001374274.1); c.1012G>A, p.Glu338Lys (NM_002052.5); short protein forms E338K, E339K, E90K, E132K.
Identifiers: ClinVar variation 3519064 (VCV003519064.2).
Genomic context (GRCh38, chr8:11,756,949, plus strand): 5'-TTGTCCCTGCCGCTGATTTGGGTGTGCTGACTCTGCTTCATTCCAGCTCCTTCAGGCAGT[G>A]AGAGCCTTCCTCCCGCCAGCGGTGCTTCCAGCAACTCCAGCAACGCCACCACCAGCAGCA-3'
Protein context (NP_001295022.1, residues 329-349): SKTPAAPSGS[Glu339Lys]SLPPASGASS